The following is an entry in ClinVar:

NM_001430.5(EPAS1):c.1373C>A (p.Thr458Asn)

Gene: EPAS1 (endothelial PAS domain protein 1; plus strand). Cytogenetic location: 2p21.
Variant type: single nucleotide variant.
Coding change: c.1373C>A on transcript NM_001430.5 (MANE Select); coding-DNA position 1373, C replaced by A.
Protein change: p.Thr458Asn; replaces threonine 458 with asparagine.
Molecular consequence: missense variant.
Genome position (GRCh38, 1-based): chr2:46,378,017, C>A. VCF-style: chr2-46378017-C-A. GRCh37 (hg19) VCF-style: chr2-46605156-C-A.
Other names: short protein forms T458N.
Identifiers: ClinVar variation 3508914 (VCV003508914.1).

ClinVar aggregate classification (germline): Uncertain significance (1 of 4 stars; one submission).

Conditions:
Inborn genetic diseases. Identifiers: MedGen C0950123, MeSH D030342.

Submission:

Ambry Genetics
Classification: Uncertain significance for Inborn genetic diseases. Last evaluated: 2024-06-25. Review status: criteria provided, single submitter. Criteria: Ambry Variant Classification Scheme 2023. Collection method: clinical testing. Allele origin: germline.
Comment: The p.T458N variant (also known as c.1373C>A), located in coding exon 10 of the EPAS1 gene, results from a C to A substitution at nucleotide position 1373. The threonine at codon 458 is replaced by asparagine, an amino acid with similar properties. This amino acid position is conserved. In addition, this alteration is predicted to be tolerated by in silico analysis. Based on the available evidence, the clinical significance of this variant remains unclear.